The following is an entry in ClinVar:

ClinVar aggregate classification (germline): Conflicting classifications of pathogenicity. Review status: criteria provided, conflicting classifications (1 of 4 stars). 4 submissions from 4 submitters: Uncertain significance (1); Likely benign (1). 2 of the submissions do not count toward it. Last evaluated 2024-10-16.

Conditions:
Charcot-Marie-Tooth disease. Also called: Charcot-Marie-Tooth Hereditary Neuropathy; Charcot-Marie-Tooth Neuropathy. Identifiers: Orphanet 166, MedGen C0007959, MONDO:0015626.
Charcot-Marie-Tooth disease type 1F. Also called: CHARCOT-MARIE-TOOTH NEUROPATHY, TYPE 1F; Charcot-Marie-Tooth disease, demyelinating, type 1f. Identifiers: Orphanet 101085, MedGen C1843164, MONDO:0011902, OMIM 607734.
Charcot-Marie-Tooth disease type 2E (CMT2E). Also called: CHARCOT-MARIE-TOOTH NEUROPATHY, TYPE 2E; CHARCOT-MARIE-TOOTH DISEASE, AXONAL, TYPE 2E. Identifiers: Orphanet 99939, MedGen C1843225, MONDO:0011894, OMIM 607684.
Charcot-Marie-Tooth disease, dominant intermediate G. Identifiers: MedGen C4693509, MONDO:0036484, OMIM 617882.

Allele frequency attached by ClinVar (database versions not stated): gnomAD exomes 0.00001.

Submissions (4):

Labcorp Genetics (formerly Invitae), Labcorp
Classification: Uncertain significance for Charcot-Marie-Tooth disease type 2E. Last evaluated: 2024-10-16. Review status: criteria provided, single submitter. Criteria: Invitae Variant Classification Sherloc (09022015). Collection method: clinical testing. Allele origin: germline.
Comment: This sequence change replaces glutamic acid, which is acidic and polar, with lysine, which is basic and polar, at codon 7 of the NEFL protein (p.Glu7Lys). The frequency data for this variant in the population databases is considered unreliable, as metrics indicate poor data quality at this position in the gnomAD database. This missense change has been observed in individual(s) with autosomal dominant Charcot-Marie-Tooth disease (PMID: 12566280). ClinVar contains an entry for this variant (Variation ID: 66684). Invitae Evidence Modeling of protein sequence and biophysical properties (such as structural, functional, and spatial information, amino acid conservation, physicochemical variation, residue mobility, and thermodynamic stability) has been performed for this missense variant. However, the output from this modeling did not meet the statistical confidence thresholds required to predict the impact of this variant on NEFL protein function. In summary, the available evidence is currently insufficient to determine the role of this variant in disease. Therefore, it has been classified as a Variant of Uncertain Significance.

Department of Pathology and Laboratory Medicine, Sinai Health System
Classification: Likely benign for Charcot-Marie-Tooth disease type 2E; Charcot-Marie-Tooth disease type 1F; Charcot-Marie-Tooth disease, dominant intermediate G. Last evaluated: 2020-07-17. Review status: criteria provided, single submitter. Criteria: ACMG Guidelines, 2015. Collection method: research. Allele origin: germline.

Epithelial Biology;  Institute of Medical Biology, Singapore
No classification provided. Review status: no classification provided. Collection method: not provided. Allele origin: not provided. Not counted in ClinVar's aggregate classification.

Inherited Neuropathy Consortium
Classification: Uncertain significance for Charcot-Marie-Tooth disease. Review status: no assertion criteria provided. Collection method: literature only. Allele origin: germline. Affected: yes. Not counted in ClinVar's aggregate classification.

Literature cited by the submitters: PubMed 12566280 (cited by Labcorp Genetics (formerly Invitae), Labcorp and Inherited Neuropathy Consortium).

NM_006158.5(NEFL):c.19G>A (p.Glu7Lys)

Gene: NEFL (neurofilament light chain; minus strand). Cytogenetic location: 8p21.2.
Variant type: single nucleotide variant.
Coding change: c.19G>A on transcript NM_006158.5 (MANE Select); coding-DNA position 19, G replaced by A.
Protein change: p.Glu7Lys; replaces glutamic acid 7 with lysine.
Molecular consequence: missense variant.
Genome position (GRCh38, 1-based): chr8:24,956,497, C>T on the plus strand (G>A on the coding strand, the complement: NEFL is on the minus strand). VCF-style: chr8-24956497-C-T. GRCh37 (hg19) VCF-style: chr8-24814011-C-T.
Other names: short protein forms E7K.
Identifiers: ClinVar variation 66684 (VCV000066684.5), dbSNP rs57848467, ClinGen allele CA217523.